The following is an entry in ClinVar:

NR_002757.3(RNU5B-1):n.44A>G

Genes: RNU5B-1 (RNA, U5B small nuclear 1; plus strand), LOC130057317 (ATAC-STARR-seq lymphoblastoid silent region 6555; plus strand). Cytogenetic location: 15q22.31.
Variant type: single nucleotide variant.
Molecular consequence: non-coding transcript variant (on NR_002757.3).
Genome position: GRCh38 VCF-style: chr15-65304720-A-G. GRCh37 (hg19) VCF-style: chr15-65597058-A-G.
Identifiers: ClinVar variation 3362394 (VCV003362394.3).

ClinVar aggregate classification (germline): Conflicting classifications of pathogenicity. Review status: criteria provided, conflicting classifications (1 of 4 stars). 4 submissions from 4 submitters: Likely pathogenic (3); Uncertain significance (1). Last evaluated 2026-01-29.

Conditions:
Neurodevelopmental disorder. Identifiers: MedGen C1535926, MeSH D065886, MONDO:0700092.
RNU5B-1-associated neurodevelopmental disorder.
RNU5B-1 related disorder.
RNU5B-1 related neurodevelopmental disorder with seizures and joint laxity. Also called: NEURODEVELOPMENTAL DISORDER WITH SEIZURES AND JOINT LAXITY. Identifiers: MedGen C6065898, MONDO:1060179, OMIM 621302.

Submissions (4):

Molecular Diagnostics Laboratory, M Health Fairview: University of Minnesota
Classification: Likely pathogenic for RNU5B-1 related neurodevelopmental disorder with seizures and joint laxity. Last evaluated: 2026-01-29. Review status: criteria provided, single submitter. Criteria: ACMG Guidelines, 2015. Collection method: clinical testing. Allele origin: germline. Affected: yes.

Broad Center for Mendelian Genomics, Broad Institute of MIT and Harvard
Classification: Uncertain significance for Neurodevelopmental disorder. Last evaluated: 2024-11-25. Review status: criteria provided, single submitter. Criteria: ACMG Guidelines, 2015. Collection method: curation. Allele origin: germline. Inheritance: Autosomal dominant inheritance. Study: GREGoR Consortium.
Comment: While this gene is still lacking sufficient evidence to establish a gene-disease relationship, we believe this is a possible novel gene candidate for neurodevelopmental disorder. Given the limited information about this gene-disease relationship, the significance of the n.44A>G variant is uncertain. If you have any additional information about functional evidence or other individuals with this phenotype that also have variants in RNU5B-1 we encourage you to reach out to us.

Institute of Human Genetics, University of Leipzig Medical Center
Classification: Likely pathogenic for RNU5B-1-associated neurodevelopmental disorder. Last evaluated: 2024-10-09. Review status: criteria provided, single submitter. Criteria: ACMG Guidelines, 2015. Collection method: literature only. Allele origin: de novo. Inheritance: Autosomal dominant inheritance. Affected: yes. Observed: 2 variant alleles.
Comment: This variant was identified as de novo

Institute for Human Genetics, University Hospital Essen
Classification: Likely pathogenic for RNU5B-1 related disorder. Last evaluated: 2005-03-05. Review status: criteria provided, single submitter. Criteria: ACMG Guidelines, 2015. Collection method: clinical testing. Allele origin: de novo. Inheritance: Autosomal dominant inheritance. Affected: yes.
Comment: PM2_supp, PS2, PS4_supp

Literature cited by the submitters: DOI 10.1101/2024.10.07.24314689 (cited by Institute of Human Genetics, University of Leipzig Medical Center).